The following is an entry in ClinVar:

NM_001365536.1(SCN9A):c.3302T>A (p.Met1101Lys)

Genes: SCN1A-AS1 (SCN1A and SCN9A antisense RNA 1; plus strand), SCN9A (sodium voltage-gated channel alpha subunit 9; minus strand). Cytogenetic location: 2q24.3.
Variant type: single nucleotide variant.
Coding change: c.3302T>A on transcript NM_001365536.1 (MANE Select); coding-DNA position 3302, T replaced by A.
Protein change: p.Met1101Lys; replaces methionine 1101 with lysine.
Molecular consequence: missense variant.
Genome position (GRCh38, 1-based): chr2:166,272,448, A>T on the plus strand (T>A on the coding strand, the complement: SCN9A is on the minus strand). VCF-style: chr2-166272448-A-T. GRCh37 (hg19) VCF-style: chr2-167128958-A-T.
Other names: c.3269T>A, p.Met1090Lys (NM_002977.4); short protein forms M1090K, M1101K.
Identifiers: ClinVar variation 848582 (VCV000848582.8), dbSNP rs200866100, ClinGen allele CA59791030.

ClinVar aggregate classification (germline): Uncertain significance (1 of 4 stars; one submission).

Conditions:
Neuropathy, hereditary sensory and autonomic, type 2A (HSAN2A). Also called: ACROOSTEOLYSIS, GIACCAI TYPE; ACROOSTEOLYSIS, NEUROGENIC; HSAN IIA; NEUROPATHY, HEREDITARY SENSORY, TYPE IIA; NEUROPATHY, PROGRESSIVE SENSORY, OF CHILDREN; WNK1-Related HSAN2 (HSAN2A). Identifiers: Orphanet 970, MedGen C2752089, MONDO:0024309, OMIM 201300.
Generalized epilepsy with febrile seizures plus, type 7 (GEFSP7). Also called: GEFS+, TYPE 7. Identifiers: Orphanet 36387, MedGen C2751778, MONDO:0013470, OMIM 613863.

Allele frequency attached by ClinVar (database versions not stated): TOPMed 0.00002.

Submission:

Labcorp Genetics (formerly Invitae), Labcorp
Classification: Uncertain significance for Neuropathy, hereditary sensory and autonomic, type 2A; Generalized epilepsy with febrile seizures plus, type 7. Last evaluated: 2025-10-20. Review status: criteria provided, single submitter. Criteria: Invitae Variant Classification Sherloc (09022015). Collection method: clinical testing. Allele origin: germline.
Comment: This sequence change replaces methionine, which is neutral and non-polar, with lysine, which is basic and polar, at codon 1090 of the SCN9A protein (p.Met1090Lys). This variant is not present in population databases (gnomAD no frequency). This variant has not been reported in the literature in individuals affected with SCN9A-related conditions. ClinVar contains an entry for this variant (Variation ID: 848582). Invitae Evidence Modeling of protein sequence and biophysical properties (such as structural, functional, and spatial information, amino acid conservation, physicochemical variation, residue mobility, and thermodynamic stability) indicates that this missense variant is not expected to disrupt SCN9A protein function with a negative predictive value of 95%. In summary, the available evidence is currently insufficient to determine the role of this variant in disease. Therefore, it has been classified as a Variant of Uncertain Significance.